The following is an entry in ClinVar:

NM_005228.5(EGFR):c.755G>A (p.Arg252His)

Gene: EGFR (epidermal growth factor receptor; plus strand). Cytogenetic location: 7p11.2.
Variant type: single nucleotide variant.
Coding change: c.755G>A on transcript NM_005228.5 (MANE Select); coding-DNA position 755, G replaced by A.
Protein change: p.Arg252His; replaces arginine 252 with histidine.
Molecular consequence: missense variant. On other transcripts: intron variant (1).
Genome position (GRCh38, 1-based): chr7:55,154,018, G>A. VCF-style: chr7-55154018-G-A. GRCh37 (hg19) VCF-style: chr7-55221711-G-A.
Other names: c.620G>A, p.Arg207His (NM_001346897.2, NM_001346899.2); c.755G>A, p.Arg252His (NM_001346898.2, NM_201282.2, NM_201283.2 and 1 more transcripts); c.596G>A, p.Arg199His (NM_001346900.2); c.89-1812G>A (NM_001346941.2); short protein forms R207H, R199H, R252H.
Identifiers: ClinVar variation 852919 (VCV000852919.28), dbSNP rs760101437, ClinGen allele CA4265355.
Genomic context (GRCh38, chr7:55,154,018, plus strand): 5'-TGGCGCTGAGTGTACTTACCTCACTTGCCCAGCGTGTCCTCTCTCCTCCATAGGTCTGCC[G>A]CAAATTCCGAGACGAAGCCACGTGCAAGGACACCTGCCCCCCACTCATGCTCTACAACCC-3'
Protein context (NP_005219.2, residues 242-262): GPRESDCLVC[Arg252His]KFRDEATCKD

ClinVar aggregate classification (germline): Uncertain significance. Review status: criteria provided, multiple submitters, no conflicts (2 of 4 stars). 3 submissions from 3 submitters: Uncertain significance (3). Last evaluated 2025-11-17.

Conditions:
Hereditary cancer-predisposing syndrome. Also called: Neoplastic Syndromes, Hereditary; Hereditary Cancer Syndrome; Tumor predisposition; Hereditary neoplastic syndrome. Identifiers: Orphanet 140162, MedGen C0027672, MeSH D009386, MONDO:0015356.
EGFR-related lung cancer (EGFR). Identifiers: MedGen CN130014.

Allele frequency attached by ClinVar (database versions not stated): gnomAD 0.00001; TOPMed 0.00001; ExAC 0.00003; gnomAD exomes 0.00003.
gnomAD v4.1: 38 of 1,614,024 alleles (0.0024%); highest among the groups gnomAD compares: African/African-American, 0.004%; no homozygotes.

Submissions (3):

Labcorp Genetics (formerly Invitae), Labcorp
Classification: Uncertain significance for EGFR-related lung cancer. Last evaluated: 2025-11-17. Review status: criteria provided, single submitter. Criteria: Invitae Variant Classification Sherloc (09022015). Collection method: clinical testing. Allele origin: germline.
Comment: This sequence change replaces arginine, which is basic and polar, with histidine, which is basic and polar, at codon 252 of the EGFR protein (p.Arg252His). This variant is present in population databases (rs760101437, gnomAD 0.006%). This variant has not been reported in the literature in individuals affected with EGFR-related conditions. ClinVar contains an entry for this variant (Variation ID: 852919). Invitae Evidence Modeling of protein sequence and biophysical properties (such as structural, functional, and spatial information, amino acid conservation, physicochemical variation, residue mobility, and thermodynamic stability) indicates that this missense variant is not expected to disrupt EGFR protein function with a negative predictive value of 80%. In summary, the available evidence is currently insufficient to determine the role of this variant in disease. Therefore, it has been classified as a Variant of Uncertain Significance.

Ambry Genetics
Classification: Uncertain significance for Hereditary cancer-predisposing syndrome. Last evaluated: 2024-11-08. Review status: criteria provided, single submitter. Criteria: Ambry Variant Classification Scheme 2023. Collection method: clinical testing. Allele origin: germline.
Comment: The p.R252H variant (also known as c.755G>A), located in coding exon 7 of the EGFR gene, results from a G to A substitution at nucleotide position 755. The arginine at codon 252 is replaced by histidine, an amino acid with highly similar properties. This amino acid position is not well conserved in available vertebrate species. In addition, this alteration is predicted to be tolerated by in silico analysis. Based on the available evidence, the clinical significance of this variant remains unclear.

Institute for Clinical Genetics, University Hospital TU Dresden, University Hospital TU Dresden
Classification: Uncertain significance. Last evaluated: 2021-11-03. Review status: criteria provided, single submitter. Criteria: ACMG Guidelines, 2015. Collection method: clinical testing. Allele origin: germline.